The following is an entry in ClinVar:

ClinVar aggregate classification (germline): Conflicting classifications of pathogenicity. Review status: criteria provided, conflicting classifications (1 of 4 stars). 3 submissions from 3 submitters: Likely pathogenic (1); Uncertain significance (2). Last evaluated 2021-08-27.

Conditions:
Juvenile hemochromatosis. Also called: Hemochromatosis type 2. Identifiers: Orphanet 79230, MedGen C0268060, MONDO:0019257.
Hemochromatosis type 2A (HFE2A). Also called: HJV (HFE2)-Related Juvenile Hemochromatosis; Adult-Onset Hemochromatosis. Identifiers: Orphanet 79230, MedGen C1865614, MONDO:0011216, OMIM 602390.

Submissions (3):

Labcorp Genetics (formerly Invitae), Labcorp
Classification: Uncertain significance. Last evaluated: 2021-08-27. Review status: criteria provided, single submitter. Criteria: Invitae Variant Classification Sherloc (09022015). Collection method: clinical testing. Allele origin: germline.
Comment: This sequence change replaces cysteine with tyrosine at codon 317 of the HJV protein (p.Cys317Tyr). The cysteine residue is highly conserved and there is a large physicochemical difference between cysteine and tyrosine. This variant is not present in population databases (ExAC no frequency). This variant has not been reported in the literature in individuals affected with HJV-related conditions. ClinVar contains an entry for this variant (Variation ID: 694655). Algorithms developed to predict the effect of missense changes on protein structure and function (SIFT, PolyPhen-2, Align-GVGD) all suggest that this variant is likely to be disruptive. In summary, the available evidence is currently insufficient to determine the role of this variant in disease. Therefore, it has been classified as a Variant of Uncertain Significance.

Victorian Clinical Genetics Services, Murdoch Childrens Research Institute
Classification: Uncertain significance for Hemochromatosis type 2A. Last evaluated: 2020-10-19. Review status: criteria provided, single submitter. Criteria: ACMG Guidelines, 2015. Collection method: clinical testing. Allele origin: germline. Inheritance: Autosomal recessive inheritance.
Comment: Based on the classification scheme VCGS_Germline_v1.3.3, this variant is classified as 3A-VUS. Following criteria are met: 0102 - Loss of function is a known mechanism of disease in this gene and is associated with haemachromatosis type 2A (MIM#602390). (I) 0106 - This gene is associated with autosomal recessive disease. (I) 0200 - Variant is predicted to result in a missense amino acid change from cysteine to tyrosine. (I) 0251 - This variant is heterozygous. (I) 0301 - Variant is absent from gnomAD (both v2 and v3). (SP) 0309 - An alternative amino acid change p.(Cys317Ser) at the same position has been observed in gnomAD (v2) (2 heterozygotes, 0 homozygotes). (I) 0501 - Missense variant consistently predicted to be damaging by multiple in silico tools or highly conserved with a major amino acid change. (SP) 0600 - Variant is located in the annotated RGM C-terminal domain (Pfam). (I) 0704 - Another missense variant comparable to the one identified in this case has limited previous evidence for pathogenicity. One individual with late-onset haemachromatosis was reported with the homozygous comparable variant p.(Cys317Ser). Functional studies of this variant were supportive of impaired function (PMID: 29764732). (SP) 0803 - This variant has limited previous evidence of pathogenicity in an unrelated individual. There is one likely pathogenic assertion for this variant in the ClinVar database. (SP) 0905 - No published segregation evidence has been identified for this variant. (I) 1007 - No published functional evidence has been identified for this variant. (I) 1208 - Inheritance information for this variant is not currently available in this individual. (I) Legend: (SP) - Supporting pathogenic, (I) - Information, (SB) - Supporting benign

Kariminejad - Najmabadi Pathology & Genetics Center
Classification: Likely pathogenic for Juvenile hemochromatosis. Last evaluated: 2018-08-19. Review status: criteria provided, single submitter. Criteria: ACMG Guidelines, 2015. Collection method: clinical testing. Allele origin: germline. Affected: yes.

Literature cited by the submitters: PubMed 29764732 (cited by Victorian Clinical Genetics Services, Murdoch Childrens Research Institute).

NM_213653.4(HJV):c.950G>A (p.Cys317Tyr)

Gene: HJV (hemojuvelin BMP co-receptor; minus strand). Cytogenetic location: 1q21.1.
Variant type: single nucleotide variant.
Coding change: c.950G>A on transcript NM_213653.4 (MANE Select); coding-DNA position 950, G replaced by A.
Protein change: p.Cys317Tyr; replaces cysteine 317 with tyrosine.
Molecular consequence: missense variant.
Genome position (GRCh38, 1-based): chr1:146,018,408, C>T on the plus strand (G>A on the coding strand, the complement: HJV is on the minus strand). VCF-style: chr1-146018408-C-T. GRCh37 (hg19) VCF-style: chr1-145416605-G-A.
Other names: c.272G>A, p.Cys91Tyr (NM_001316767.2, NM_202004.4, NM_213652.4); c.950G>A, p.Cys317Tyr (NM_001379352.1); c.611G>A, p.Cys204Tyr (NM_145277.5); short protein forms C204Y, C317Y, C91Y.
Identifiers: ClinVar variation 694655 (VCV000694655.8), dbSNP rs1553769457, ClinGen allele CA342135224.